The following is an entry in ClinVar:

NM_001079802.2(FKTN):c.905G>A (p.Cys302Tyr)

Gene: FKTN (fukutin; plus strand). Cytogenetic location: 9q31.2.
Variant type: single nucleotide variant.
Coding change: c.905G>A on transcript NM_001079802.2 (MANE Select); coding-DNA position 905, G replaced by A.
Protein change: p.Cys302Tyr; replaces cysteine 302 with tyrosine.
Molecular consequence: missense variant. On other transcripts: non-coding transcript variant (1).
Genome position (GRCh38, 1-based): chr9:105,615,402, G>A. VCF-style: chr9-105615402-G-A. GRCh37 (hg19) VCF-style: chr9-108377683-G-A.
Other names: c.905G>A, p.Cys302Tyr (NM_001198963.2, NM_001351496.2, NM_001351498.2 and 1 more transcripts); c.836G>A, p.Cys279Tyr (NM_001351497.2); c.509G>A, p.Cys170Tyr (NM_001351499.2, NM_001351500.2, NM_001351501.2 and 1 more transcripts); short protein forms C302Y, C170Y, C279Y.
Identifiers: ClinVar variation 459225 (VCV000459225.1), dbSNP rs1554757939, ClinGen allele CA374377353.
Genomic context (GRCh38, chr9:105,615,402, plus strand): 5'-AACTAGCAGCGAAAACATTAAACAAATTGGGAGTACCATTCTGGCTGAGCAGTGGAACTT[G>A]TCTAGGTAAAATTCTTACGACTTTCCATTTGTCTTTCTGTCATTTTGTCCTCTGGCTTTA-3'
Protein context (NP_001073270.1, residues 292-312): GVPFWLSSGT[Cys302Tyr]LGWYRQCNII

ClinVar aggregate classification (germline): Uncertain significance (1 of 4 stars; one submission).

Conditions:
Walker-Warburg congenital muscular dystrophy. Also called: Muscular dystrophy-dystroglycanopathy, type A; Walker-Warburg syndrome. Identifiers: Orphanet 899, MedGen C0265221, MONDO:0000171.

Submission:

Labcorp Genetics (formerly Invitae), Labcorp
Classification: Uncertain significance for Walker-Warburg congenital muscular dystrophy. Last evaluated: 2017-05-05. Review status: criteria provided, single submitter. Criteria: Invitae Variant Classification Sherloc (09022015). Collection method: clinical testing. Allele origin: germline.
Comment: This sequence change replaces cysteine with tyrosine at codon 302 of the FKTN protein (p.Cys302Tyr). The cysteine residue is highly conserved and there is a large physicochemical difference between cysteine and tyrosine. This variant is not present in population databases (ExAC no frequency) and has not been reported in the literature in individuals with a FKTN-related disease. Algorithms developed to predict the effect of missense changes on protein structure and function do not agree on the potential impact of this missense change (SIFT: "Tolerated"; PolyPhen-2: "Probably Damaging"; Align-GVGD: "Class C0"). In summary, this variant is a novel missense change with uncertain impact on protein function. It has been classified as a Variant of Uncertain Significance.